The following is an entry in ClinVar:

NM_006182.4(DDR2):c.2275A>T (p.Ile759Phe)

Gene: DDR2 (discoidin domain receptor tyrosine kinase 2; plus strand). Cytogenetic location: 1q23.3.
Variant type: single nucleotide variant.
Coding change: c.2275A>T on transcript NM_006182.4 (MANE Select); coding-DNA position 2275, A replaced by T.
Protein change: p.Ile759Phe; replaces isoleucine 759 with phenylalanine.
Molecular consequence: missense variant.
Genome position (GRCh38, 1-based): chr1:162,776,362, A>T. VCF-style: chr1-162776362-A-T. GRCh37 (hg19) VCF-style: chr1-162746152-A-T.
Other names: c.2275A>T, p.Ile759Phe (NM_001014796.3, NM_001354982.2, NM_001354983.2); short protein forms I759F.
Identifiers: ClinVar variation 1306632 (VCV001306632.3), dbSNP rs1048910780, ClinGen allele CA343416383.
Genomic context (GRCh38, chr1:162,776,362, plus strand): 5'-GACTATTACCGGATCCAGGGCCGGGCAGTGCTCCCTATCCGCTGGATGTCTTGGGAGAGT[A>T]TCTTGCTGGTAAGTTCTCAGCATTTTAAAGCCCTGTCTAACAACTGGCTTGTGGGCTCAC-3'
Protein context (NP_006173.2, residues 749-769): LPIRWMSWES[Ile759Phe]LLGKFTTASD

ClinVar aggregate classification (germline): Uncertain significance (1 of 4 stars; one submission).

Submission:

GeneDx
Classification: Uncertain significance. Last evaluated: 2024-08-14. Review status: criteria provided, single submitter. Criteria: GeneDx Variant Classification Process June 2021. Collection method: clinical testing. Allele origin: germline. Affected: yes.
Comment: Not observed at significant frequency in large population cohorts (gnomAD); In silico analysis supports that this missense variant has a deleterious effect on protein structure/function; Has not been previously published as pathogenic or benign to our knowledge